The following is an entry in ClinVar:

ClinVar aggregate classification (germline): Uncertain significance. Review status: criteria provided, multiple submitters, no conflicts (2 of 4 stars). 2 submissions from 2 submitters: Uncertain significance (2). Last evaluated 2025-05-07.

Conditions:
Inborn genetic diseases. Identifiers: MedGen C0950123, MeSH D030342.

Allele frequency attached by ClinVar (database versions not stated): gnomAD exomes below 0.00001 and 0.00001; gnomAD 0.00001.
gnomAD v4.1: 16 of 1,465,988 alleles (0.0011%); highest among the groups gnomAD compares: East Asian, 0.0029%; no homozygotes.

Submissions (2):

Ambry Genetics
Classification: Uncertain significance for Inborn genetic diseases. Last evaluated: 2025-05-07. Review status: criteria provided, single submitter. Criteria: Ambry Variant Classification Scheme 2023. Collection method: clinical testing. Allele origin: germline.

Labcorp Genetics (formerly Invitae), Labcorp
Classification: Uncertain significance. Last evaluated: 2023-12-26. Review status: criteria provided, single submitter. Criteria: Invitae Variant Classification Sherloc (09022015). Collection method: clinical testing. Allele origin: germline.
Comment: This sequence change replaces serine, which is neutral and polar, with arginine, which is basic and polar, at codon 129 of the BLOC1S3 protein (p.Ser129Arg). This variant is present in population databases (rs375441987, gnomAD 0.03%). This variant has not been reported in the literature in individuals affected with BLOC1S3-related conditions. ClinVar contains an entry for this variant (Variation ID: 1508603). An algorithm developed to predict the effect of missense changes on protein structure and function (PolyPhen-2) suggests that this variant¬†is likely to be tolerated. In summary, the available evidence is currently insufficient to determine the role of this variant in disease. Therefore, it has been classified as a Variant of Uncertain Significance.

NM_212550.5(BLOC1S3):c.387C>A (p.Ser129Arg)

Gene: BLOC1S3 (biogenesis of lysosomal organelles complex 1 subunit 3; plus strand). Cytogenetic location: 19q13.32.
Variant type: single nucleotide variant.
Coding change: c.387C>A on transcript NM_212550.5 (MANE Select); coding-DNA position 387, C replaced by A.
Protein change: p.Ser129Arg; replaces serine 129 with arginine.
Molecular consequence: missense variant.
Genome position (GRCh38, 1-based): chr19:45,179,683, C>A. VCF-style: chr19-45179683-C-A. GRCh37 (hg19) VCF-style: chr19-45682941-C-A.
Other names: c.387C>A (NM_212550.3); short protein forms S129R.
Identifiers: ClinVar variation 1508603 (VCV001508603.6), dbSNP rs375441987, ClinGen allele CA308943323.
Genomic context (GRCh38, chr19:45,179,683, plus strand): 5'-GCAACTTCGGCTGGCGGAGAGCCAGGCGCGGCTGGACCACGACGTGGCGGCCGCCGTGAG[C>A]GGTGTCTACCGCCGTGCAGGCCGCGACGTGGCCGCCCTGGCTAGTAGGCTGGCGGCAGCC-3'
Protein context (NP_997715.1, residues 119-139): RLDHDVAAAV[Ser129Arg]GVYRRAGRDV